The following is an entry in ClinVar:

ClinVar aggregate classification (germline): Uncertain significance (1 of 4 stars; one submission).

Conditions:
Brugada syndrome. Also called: Sudden unexpected nocturnal death syndrome; Sudden Unexplained Death Syndrome; Sudden Unexplained Nocturnal Death Syndrome (SUNDS); Sudden unexplained nocturnal death syndrome. Identifiers: Orphanet 130, MedGen C1142166, MONDO:0015263.

Allele frequency attached by ClinVar (database versions not stated): gnomAD exomes below 0.00001.

Submission:

Labcorp Genetics (formerly Invitae), Labcorp
Classification: Uncertain significance for Brugada syndrome. Last evaluated: 2022-11-08. Review status: criteria provided, single submitter. Criteria: Invitae Variant Classification Sherloc (09022015). Collection method: clinical testing. Allele origin: germline.
Comment: In summary, the available evidence is currently insufficient to determine the role of this variant in disease. Therefore, it has been classified as a Variant of Uncertain Significance. Advanced modeling of protein sequence and biophysical properties (such as structural, functional, and spatial information, amino acid conservation, physicochemical variation, residue mobility, and thermodynamic stability) performed at Invitae indicates that this missense variant is not expected to disrupt KCNJ8 protein function. This variant has not been reported in the literature in individuals affected with KCNJ8-related conditions. This variant is not present in population databases (gnomAD no frequency). This sequence change replaces isoleucine, which is neutral and non-polar, with valine, which is neutral and non-polar, at codon 398 of the KCNJ8 protein (p.Ile398Val).

NC_000012.12:g.21765806T>C

Genes: KCNJ8 (potassium inwardly rectifying channel subfamily J member 8; minus strand), KCNJ8-AS1 (KCNJ8 antisense RNA 1; plus strand). Cytogenetic location: 12p12.1.
Variant type: single nucleotide variant.
Genome position: GRCh38 VCF-style: chr12-21765806-T-C. GRCh37 (hg19) VCF-style: chr12-21918740-T-C.
Identifiers: ClinVar variation 1912102 (VCV001912102.5), dbSNP rs2540720066, ClinGen allele CA384121253.
Genomic context (GRCh38, chr12:21,765,806, plus strand): 5'-TTCCTTCTGGAGTCATAAATTGCACCTTTGGTACCATGAGGGAAGAATTGTTCCTTCGGA[T>C]AGAATTGTTCCTCCTCATGGAATTGTTTCTTCTCATGGAGTTGCGCTTCCTCAGAGAATT-3'